The following is an entry in ClinVar:

ClinVar aggregate classification (germline): Conflicting classifications of pathogenicity. Review status: criteria provided, conflicting classifications (1 of 4 stars). 7 submissions from 7 submitters: Uncertain significance (6); Likely benign (1). Last evaluated 2026-08-27.

Conditions:
Cardiovascular phenotype. Identifiers: MedGen CN230736.
Hereditary cancer-predisposing syndrome. Also called: Tumor predisposition; Neoplastic Syndromes, Hereditary; Hereditary Cancer Syndrome; Hereditary neoplastic syndrome. Identifiers: Orphanet 140162, MedGen C0027672, MeSH D009386, MONDO:0015356.
Neurofibromatosis, familial spinal (FSNF). Identifiers: Orphanet 636, MedGen C1834235, MONDO:0008078, OMIM 162210. Disease mechanism: loss of function.
Juvenile myelomonocytic leukemia (JMML). Also called: LEUKEMIA, JUVENILE MYELOMONOCYTIC, SOMATIC. Identifiers: Orphanet 86834, MedGen C0349639, MONDO:0011908, OMIM 607785, HP:0012209.
Neurofibromatosis, type 1 (NF1). Also called: NEUROFIBROMATOSIS, TYPE I, SOMATIC; VON RECKLINGHAUSEN DISEASE; Peripheral type neurofibromatosis; Neurofibromatosis, type I. Identifiers: Orphanet 636, MedGen C0027831, MONDO:0018975, OMIM 162200. Disease mechanism: loss of function.
Neurofibromatosis-Noonan syndrome (NFNS). Also called: NEUROFIBROMATOSIS WITH NOONAN PHENOTYPE. Identifiers: Orphanet 638, MedGen C2931482, MONDO:0011035, OMIM 601321. Disease mechanism: loss of function.
Café-au-lait macules with pulmonary stenosis (WTSN). Also called: PULMONIC STENOSIS WITH CAFE-AU-LAIT SPOTS. Identifiers: MedGen C0553586, MONDO:0008672, OMIM 193520.
Hereditary breast ovarian cancer syndrome. Also called: Hereditary breast and ovarian cancer; Hereditary breast and ovarian cancer syndrome (HBOC); Breast and ovarian cancer; BRCA1- and BRCA2-Associated Hereditary Breast and Ovarian Cancer; Hereditary breast and ovarian cancer syndrome; Hereditary breast and/or ovarian cancer syndrome. Identifiers: Orphanet 145, MedGen C0677776, MeSH D061325, MONDO:0003582. Disease mechanism: loss of function.

Allele frequency attached by ClinVar (database versions not stated): gnomAD exomes 0.00001 and 0.00002; ExAC 0.00004; TOPMed below 0.00001.
gnomAD v4.1: 14 of 1,596,304 alleles (0.00088%); highest among the groups gnomAD compares: East Asian, 0.0022%; no homozygotes.

Submissions (7):

Ambry Genetics
Classification: Uncertain significance for Cardiovascular phenotype; Hereditary cancer-predisposing syndrome. Last evaluated: 2026-08-27. Review status: criteria provided, single submitter. Criteria: Ambry Variant Classification Scheme 2023. Collection method: clinical testing. Allele origin: germline.
Comment: The p.R1455C variant (also known as c.4363C>T), located in coding exon 32 of the NF1 gene, results from a C to T substitution at nucleotide position 4363. The arginine at codon 1455 is replaced by cysteine, an amino acid with highly dissimilar properties. This amino acid position is highly conserved in available vertebrate species. In addition, this alteration is predicted to be deleterious by in silico analysis. Based on the available evidence, the clinical significance of this variant remains unclear.

Labcorp Genetics (formerly Invitae), Labcorp
Classification: Likely benign for Neurofibromatosis, type 1. Last evaluated: 2025-11-19. Review status: criteria provided, single submitter. Criteria: Invitae Variant Classification Sherloc (09022015). Collection method: clinical testing. Allele origin: germline.

Quest Diagnostics Nichols Institute San Juan Capistrano
Classification: Uncertain significance. Last evaluated: 2024-12-26. Review status: criteria provided, single submitter. Criteria: Quest Diagnostics criteria. Collection method: clinical testing. Allele origin: unknown.

GeneDx
Classification: Uncertain significance. Last evaluated: 2023-06-02. Review status: criteria provided, single submitter. Criteria: GeneDx Variant Classification Process June 2021. Collection method: clinical testing. Allele origin: germline. Affected: yes.
Comment: In silico analysis supports that this missense variant has a deleterious effect on protein structure/function; Observed in an individual with breast cancer and in a family with an alternate genetic cause segregating with neurodevelopmental delay, macrocephaly, and other features (Momozawa et al., 2018; Hunter et al., 2022); This variant is associated with the following publications: (PMID: 30287823, 22807134, 35091509, 10336779, 32566746)

Genome-Nilou Lab
Classification: Uncertain significance for Neurofibromatosis, type 1. Last evaluated: 2022-03-15. Review status: criteria provided, single submitter. Criteria: ACMG Guidelines, 2015. Collection method: clinical testing. Allele origin: germline. Affected: no.

Fulgent Genetics
Classification: Uncertain significance for Neurofibromatosis, type 1; Neurofibromatosis, familial spinal; Café-au-lait macules with pulmonary stenosis; Neurofibromatosis-Noonan syndrome; Juvenile myelomonocytic leukemia. Last evaluated: 2022-02-12. Review status: criteria provided, single submitter. Criteria: ACMG Guidelines, 2015. Collection method: clinical testing. Allele origin: unknown.

Cancer Genomics Group, Japanese Foundation For Cancer Research
Classification: Uncertain significance for Hereditary breast and ovarian cancer syndrome. Last evaluated: 2019-05-01. Review status: criteria provided, single submitter. Criteria: ACMG Guidelines, 2015. Collection method: research. Allele origin: germline. Affected: yes.

Literature cited by the submitters: PubMed 10336779 (cited by Ambry Genetics); PubMed 30287823 (cited by Ambry Genetics); PubMed 35091509 (cited by Ambry Genetics).

NM_001042492.3(NF1):c.4426C>T (p.Arg1476Cys)

Gene: NF1 (neurofibromin 1; plus strand). Cytogenetic location: 17q11.2.
Variant type: single nucleotide variant.
Coding change: c.4426C>T on transcript NM_001042492.3 (MANE Select); coding-DNA position 4426, C replaced by T.
Protein change: p.Arg1476Cys; replaces arginine 1476 with cysteine.
Molecular consequence: missense variant.
Genome position (GRCh38, 1-based): chr17:31,259,125, C>T. VCF-style: chr17-31259125-C-T. GRCh37 (hg19) VCF-style: chr17-29586143-C-T.
Other names: c.4363C>T, p.Arg1455Cys (NM_000267.4); short protein forms R1455C, R1476C.
Identifiers: ClinVar variation 237566 (VCV000237566.17), dbSNP rs771420960, ClinGen allele CA8486403.